The following is an entry in ClinVar:

NM_001017420.3(ESCO2):c.765T>C (p.Phe255=)

Gene: ESCO2 (establishment of sister chromatid cohesion N-acetyltransferase 2; plus strand). Cytogenetic location: 8p21.1.
Variant type: single nucleotide variant.
Coding change: c.765T>C on transcript NM_001017420.3 (MANE Select); coding-DNA position 765, T replaced by C.
Protein change: p.Phe255=; no amino-acid change (phenylalanine 255 retained).
Molecular consequence: synonymous variant.
Genome position (GRCh38, 1-based): chr8:27,777,073, T>C. VCF-style: chr8-27777073-T-C. GRCh37 (hg19) VCF-style: chr8-27634590-T-C.
Identifiers: ClinVar variation 742070 (VCV000742070.17), dbSNP rs780741900, ClinGen allele CA4692108.

ClinVar aggregate classification (germline): Likely benign. Review status: criteria provided, multiple submitters, no conflicts (2 of 4 stars). 3 submissions from 3 submitters: Likely benign (2). 1 of the submissions does not count toward it. Last evaluated 2026-01-12.

Conditions:
Roberts-SC phocomelia syndrome (RBS). Also called: ESCO2 Spectrum Disorder; Pseudothalidomide syndrome; Appelt-Gerken-Lenz syndrome; Hypomelia hypotrichosis facial hemangioma syndrome; LONG BONE DEFICIENCIES ASSOCIATED WITH CLEFT LIP-PALATE. Identifiers: Orphanet 3103, MedGen C0392475, MONDO:0100253, OMIM 268300.

gnomAD v4.1: 33 of 1,605,598 alleles (0.0021%); highest among the groups gnomAD compares: Middle Eastern, 0.1%; 2 homozygotes.

Submissions (3):

Labcorp Genetics (formerly Invitae), Labcorp
Classification: Likely benign. Last evaluated: 2026-01-12. Review status: criteria provided, single submitter. Criteria: Invitae Variant Classification Sherloc (09022015). Collection method: clinical testing. Allele origin: germline.

CeGaT Center for Human Genetics Tuebingen
Classification: Likely benign. Last evaluated: 2025-11-01. Review status: criteria provided, single submitter. Criteria: CeGaT Center For Human Genetics Tuebingen Variant Classification Criteria Version 2. Collection method: clinical testing. Allele origin: germline. Affected: yes. Observed: 1 variant allele.
Comment: ESCO2: BP4, BP7

Natera, Inc.
Classification: Likely benign for Roberts syndrome. Last evaluated: 2020-12-31. Review status: no assertion criteria provided. Collection method: clinical testing. Allele origin: germline. Not counted in ClinVar's aggregate classification.